The following is an entry in ClinVar:

NM_001009944.3(PKD1):c.4379T>C (p.Val1460Ala)

Gene: PKD1 (polycystin 1, transient receptor potential channel interacting; minus strand). Cytogenetic location: 16p13.3.
Variant type: single nucleotide variant.
Coding change: c.4379T>C on transcript NM_001009944.3 (MANE Select); coding-DNA position 4379, T replaced by C.
Protein change: p.Val1460Ala; replaces valine 1460 with alanine.
Molecular consequence: missense variant.
Genome position (GRCh38, 1-based): chr16:2,110,788, A>G on the plus strand (T>C on the coding strand, the complement: PKD1 is on the minus strand). VCF-style: chr16-2110788-A-G. GRCh37 (hg19) VCF-style: chr16-2160789-A-G.
Other names: c.4379T>C, p.Val1460Ala (NM_000296.4); short protein forms V1460A.
Identifiers: ClinVar variation 1807306 (VCV001807306.7), dbSNP rs2151797664, ClinGen allele CA394380530.
Genomic context (GRCh38, chr16:2,110,788, plus strand): 5'-TCCAGCCCAAGGGAGCCATTGACCTTGATGCTGGTGACCAGCACGGGCTCCTGCACCTCC[A>G]CCAGGGCTGAGTCATTGGCAGCAGAGATGTTGTTGGACGCGGTGACTGTCACAAGATAGG-3'
Protein context (NP_001009944.3, residues 1450-1470): NISAANDSAL[Val1460Ala]EVQEPVLVTS

ClinVar aggregate classification (germline): Uncertain significance. Review status: criteria provided, multiple submitters, no conflicts (2 of 4 stars). 3 submissions from 3 submitters: Uncertain significance (3). Last evaluated 2026-06-29.

Conditions:
Polycystic kidney disease, adult type (PKD1). Also called: Polycystic Kidney, Autosomal Dominant; Polycystic Kidney Disease 1, Autosomal Dominant; Polycystic kidney disease 1; Polycystic kidney disease 1, severe; POLYCYSTIC KIDNEY DISEASE, ADULT, TYPE I; POLYCYSTIC KIDNEY DISEASE 1 WITH OR WITHOUT POLYCYSTIC LIVER DISEASE. Identifiers: MedGen C3149841, MONDO:0008263, OMIM 173900.

Submissions (3):

Victorian Clinical Genetics Services, Murdoch Childrens Research Institute
Classification: Uncertain significance for Polycystic kidney disease, adult type. Last evaluated: 2026-06-29. Review status: criteria provided, single submitter. Criteria: ACMG Guidelines, 2015. Collection method: clinical testing. Allele origin: germline. Affected: yes.
Comment: This variant is classified as VUS-3A. Evidence in support of pathogenic classification: Variant is absent from gnomAD (v2, v3 and v4). Additional information: Variant is predicted to result in a missense amino acid change from Val to Ala; This variant is heterozygous; This gene is associated with autosomal dominant disease. Polycystic kidney disease 1 (MIM#173900) is predominantly caused by monoallelic variants, with rare reports of biallelic variants causing disease (OMIM); Previous evidence of pathogenicity for this variant is inconclusive. This variant has been classified as a VUS by multiple diagnostic laboratories in ClinVar. It has also been seen in multiple unrelated individuals in VCGS internal cohort. - Segregation evidence for this variant is inconclusive. No published functional evidence has been identified for this variant; No comparable missense variants have previous evidence for pathogenicity; Variant is located in the annotated PKD domain (DECIPHER); Missense variant with inconclusive in silico prediction and uninformative conservation; Loss of function is a known mechanism of disease in this gene and is associated with polycystic kidney disease 1 (MIM#173900); Inheritance information for this variant is not currently available in this individual.

GeneDx
Classification: Uncertain significance. Last evaluated: 2026-02-05. Review status: criteria provided, single submitter. Criteria: GeneDx Variant Classification Process June 2021. Collection method: clinical testing. Allele origin: germline. Affected: yes.
Comment: Not observed at significant frequency in large population cohorts (gnomAD); In silico analysis supports that this missense variant has a deleterious effect on protein structure/function; Has not been previously published as pathogenic or benign to our knowledge

Athena Diagnostics
Classification: Uncertain significance. Last evaluated: 2021-06-17. Review status: criteria provided, single submitter. Criteria: Athena Diagnostics Criteria. Collection method: clinical testing. Allele origin: unknown.